The following is an entry in ClinVar:

ClinVar aggregate classification (germline): Uncertain significance. Review status: criteria provided, multiple submitters, no conflicts (2 of 4 stars). 2 submissions from 2 submitters: Uncertain significance (2). Last evaluated 2025-10-01.

Conditions:
Hypogonadotropic hypogonadism. Also called: Hypogonadotrophic hypogonadism; Isolated hypogonadotropic hypogonadism; Low gonadotropins (secondary hypogonadism); Hypogonadotropic hypogonadism with or without anosmia. Identifiers: Orphanet 432, MedGen C0271623, MONDO:0018555, HP:0000044.

Allele frequency attached by ClinVar (database versions not stated): TOPMed 0.00005; ExAC 0.00009; gnomAD 0.00009.
gnomAD v4.1: 91 of 1,614,022 alleles (0.0056%); highest among the groups gnomAD compares: East Asian, 0.1%; 1 homozygote.

Submissions (2):

Cambridge Genomics Laboratory, East Genomic Laboratory Hub, NHS Genomic Medicine Service
Classification: Uncertain significance for Hypogonadotropic hypogonadism. Last evaluated: 2025-10-01. Review status: criteria provided, single submitter. Criteria: ACGS Best Practice Guidelines for Variant Classification in Rare Disease 2020. Collection method: clinical testing. Allele origin: germline. Affected: yes.
Comment: BS1_Strong

Labcorp Genetics (formerly Invitae), Labcorp
Classification: Uncertain significance. Last evaluated: 2025-07-29. Review status: criteria provided, single submitter. Criteria: Invitae Variant Classification Sherloc (09022015). Collection method: clinical testing. Allele origin: germline.
Comment: This sequence change replaces arginine, which is basic and polar, with histidine, which is basic and polar, at codon 797 of the WDR11 protein (p.Arg797His). This variant is present in population databases (rs778731385, gnomAD 0.07%). This missense change has been observed in individual(s) with idiopathic hypogonadotropic hypogonadism (PMID: 36130823). ClinVar contains an entry for this variant (Variation ID: 2908072). An algorithm developed to predict the effect of missense changes on protein structure and function (PolyPhen-2) suggests that this variant is likely to be tolerated. In summary, the available evidence is currently insufficient to determine the role of this variant in disease. Therefore, it has been classified as a Variant of Uncertain Significance.

Literature cited by the submitters: PubMed 36130823 (cited by Labcorp Genetics (formerly Invitae), Labcorp).

NM_018117.12(WDR11):c.2390G>A (p.Arg797His)

Gene: WDR11 (WD repeat domain 11; plus strand). Cytogenetic location: 10q26.12.
Variant type: single nucleotide variant.
Coding change: c.2390G>A on transcript NM_018117.12 (MANE Select); coding-DNA position 2390, G replaced by A.
Protein change: p.Arg797His; replaces arginine 797 with histidine.
Molecular consequence: missense variant.
Genome position (GRCh38, 1-based): chr10:120,890,762, G>A. VCF-style: chr10-120890762-G-A. GRCh37 (hg19) VCF-style: chr10-122650274-G-A.
Other names: short protein forms R797H.
Identifiers: ClinVar variation 2908072 (VCV002908072.4), dbSNP rs778731385, ClinGen allele CA5720010.